The following is an entry in ClinVar:

ClinVar aggregate classification (germline): Uncertain significance (1 of 4 stars; one submission).

Allele frequency attached by ClinVar (database versions not stated): gnomAD exomes below 0.00001.

Submission:

Labcorp Genetics (formerly Invitae), Labcorp
Classification: Uncertain significance. Last evaluated: 2021-04-14. Review status: criteria provided, single submitter. Criteria: Invitae Variant Classification Sherloc (09022015). Collection method: clinical testing. Allele origin: germline.
Comment: This sequence change replaces valine with methionine at codon 76 of the GUCY2C protein (p.Val76Met). The valine residue is highly conserved and there is a small physicochemical difference between valine and methionine. In summary, the available evidence is currently insufficient to determine the role of this variant in disease. Therefore, it has been classified as a Variant of Uncertain Significance. Algorithms developed to predict the effect of missense changes on protein structure and function are either unavailable or do not agree on the potential impact of this missense change (SIFT: "Deleterious"; PolyPhen-2: "Probably Damaging"; Align-GVGD: "Class C0"). This variant has not been reported in the literature in individuals with GUCY2C-related conditions. This variant is not present in population databases (ExAC no frequency).

NM_004963.4(GUCY2C):c.226G>A (p.Val76Met)

Genes: GUCY2C (guanylate cyclase 2C; minus strand), GUCY2C-AS1 (GUCY2C antisense RNA 1; plus strand). Cytogenetic location: 12p12.3.
Variant type: single nucleotide variant.
Coding change: c.226G>A on transcript NM_004963.4 (MANE Select); coding-DNA position 226, G replaced by A.
Protein change: p.Val76Met; replaces valine 76 with methionine.
Molecular consequence: missense variant.
Genome position (GRCh38, 1-based): chr12:14,688,055, C>T on the plus strand (G>A on the coding strand, the complement: GUCY2C is on the minus strand). VCF-style: chr12-14688055-C-T. GRCh37 (hg19) VCF-style: chr12-14840989-C-T.
Other names: short protein forms V76M.
Identifiers: ClinVar variation 1482499 (VCV001482499.8), dbSNP rs2137105560, ClinGen allele CA384007236.